The following is an entry in ClinVar:

NM_001099922.3(ALG13):c.2818C>A (p.Pro940Thr)

Gene: ALG13 (ALG13 UDP-N-acetylglucosaminyltransferase subunit; plus strand). Cytogenetic location: Xq23.
Variant type: single nucleotide variant.
Coding change: c.2818C>A on transcript NM_001099922.3 (MANE Select); coding-DNA position 2818, C replaced by A.
Protein change: p.Pro940Thr; replaces proline 940 with threonine.
Molecular consequence: missense variant. On other transcripts: intron variant (5).
Genome position (GRCh38, 1-based): chrX:111,744,790, C>A. VCF-style: chrX-111744790-C-A. GRCh37 (hg19) VCF-style: chrX-110988018-C-A.
Other names: c.2584C>A, p.Pro862Thr (NM_001257231.2); c.2383+7911C>A (NM_001257237.2, NM_001257234.2, NM_001257230.2); c.2209+7911C>A (NM_001324293.1); c.2695+7911C>A (NM_001324292.2); short protein forms P940T, P862T.
Identifiers: ClinVar variation 2728687 (VCV002728687.3), dbSNP rs2526304326, ClinGen allele CA414291575.

ClinVar aggregate classification (germline): Uncertain significance (1 of 4 stars; one submission).

Conditions:
Developmental and epileptic encephalopathy, 36 (DEE36). Also called: ALG13-CDG; Epileptic encephalopathy, early infantile, 36; Congenital disorder of glycosylation, type Is. Identifiers: Orphanet 324422, MedGen C4317295, MONDO:0010472, OMIM 300884.

Allele frequency attached by ClinVar (database versions not stated): gnomAD exomes 0.00001.
gnomAD v4.1: 12 of 1,113,058 alleles (0.0011%); highest among the groups gnomAD compares: Non-Finnish European, 0.0013%; no homozygotes.

Submission:

Labcorp Genetics (formerly Invitae), Labcorp
Classification: Uncertain significance for Developmental and epileptic encephalopathy, 36. Last evaluated: 2023-12-28. Review status: criteria provided, single submitter. Criteria: Invitae Variant Classification Sherloc (09022015). Collection method: clinical testing. Allele origin: germline.
Comment: This sequence change replaces proline, which is neutral and non-polar, with threonine, which is neutral and polar, at codon 940 of the ALG13 protein (p.Pro940Thr). This variant is not present in population databases (gnomAD no frequency). This variant has not been reported in the literature in individuals affected with ALG13-related conditions. An algorithm developed to predict the effect of missense changes on protein structure and function (PolyPhen-2) suggests that this variant is likely to be tolerated. In summary, the available evidence is currently insufficient to determine the role of this variant in disease. Therefore, it has been classified as a Variant of Uncertain Significance.